The following is an entry in ClinVar:

NM_007294.4(BRCA1):c.1960_1961del (p.Lys654fs)

Gene: BRCA1 (BRCA1 DNA repair associated; minus strand). Cytogenetic location: 17q21.31.
Variant type: Deletion.
Coding change: c.1960_1961del on transcript NM_007294.4 (MANE Select); coding-DNA positions 1960 to 1961, 2 bases deleted (AA; older notation c.1960_1961delAA).
Protein change: p.Lys654fs; shifts the reading frame from lysine 654.
Molecular consequence: frameshift variant. On other transcripts: intron variant (137).
Genome position (GRCh38, 1-based): chr17:43,093,570-43,093,571, TT deleted on the plus strand (AA on the coding strand, the reverse complement: BRCA1 is on the minus strand); deleting any 2 consecutive bases within chr17:43,093,570-43,093,577 gives the same sequence; the c. name uses the placement nearest the transcript's 3' end. VCF-style (leftmost placement, unchanged base first): chr17-43093569-CTT-C. GRCh37 (hg19) VCF-style: chr17-41245586-CTT-C.
Other names: 2079delAA; c.1960_1961delAA (NM_007294.3); c.1957_1958del, p.Lys653fs (NM_001407610.1, NM_001407611.1, NM_001407612.1 and 22 more transcripts); c.1960_1961del, p.Lys654fs (NM_001407616.1, NM_001407617.1, NM_001407618.1 and 30 more transcripts); c.1951_1952del, p.Lys651fs (NM_001407646.1, NM_001407647.1); c.1837_1838del, p.Lys613fs (NM_001407648.1, NM_001407664.1, NM_001407665.1 and 19 more transcripts); c.1834_1835del, p.Lys612fs (NM_001407649.1, NM_001407670.1, NM_001407671.1 and 11 more transcripts); c.1882_1883del, p.Lys628fs (NM_001407653.1, NM_001407654.1, NM_001407655.1 and 4 more transcripts); and 43 more; short protein forms K607fs, K654fs, K542fs, K566fs, K583fs, K586fs, K651fs, K358fs.
Identifiers: ClinVar variation 54416 (VCV000054416.9), dbSNP rs80357522, ClinGen allele CA001301.
Genomic context (GRCh38, chr17:43,093,569, plus strand): 5'-AGGTTCTTTACCTTCCATGAGTTGTAGGTTTCTGCTGTGCCTGACTGGCATTTGGTTGTA[CTT>C]TTTTTTCTTTATCTCTTCACTGCTAGAACAACTATCAATTTGCAATTCAGTACAATTAGG-3'

ClinVar aggregate classification (germline): Pathogenic. Review status: reviewed by expert panel (3 of 4 stars). 6 submissions from 6 submitters: Pathogenic (1). 5 of the submissions do not count toward it. Last evaluated 2016-09-08.

Conditions:
Breast and/or ovarian cancer. Identifiers: MedGen CN221562.
Hereditary cancer-predisposing syndrome. Also called: Tumor predisposition; Neoplastic Syndromes, Hereditary; Hereditary Cancer Syndrome; Hereditary neoplastic syndrome. Identifiers: Orphanet 140162, MedGen C0027672, MeSH D009386, MONDO:0015356.
Hereditary breast ovarian cancer syndrome. Also called: Hereditary breast and ovarian cancer syndrome (HBOC); Hereditary breast and ovarian cancer syndrome; Hereditary breast and ovarian cancer; Hereditary breast and/or ovarian cancer syndrome; Breast and ovarian cancer; BRCA1- and BRCA2-Associated Hereditary Breast and Ovarian Cancer. Identifiers: Orphanet 145, MedGen C0677776, MeSH D061325, MONDO:0003582. Disease mechanism: loss of function.
Breast-ovarian cancer, familial, susceptibility to, 1 (BROVCA1). Also called: OVARIAN CANCER, SUSCEPTIBILITY TO; BRCA1 Hereditary Breast and Ovarian Cancer. Identifiers: Orphanet 145, MedGen C2676676, MONDO:0011450, OMIM 604370. Disease mechanism: loss of function.
Familial cancer of breast. Also called: Hereditary breast cancer; hereditary breast carcinoma; BREAST CANCER, FAMILIAL. Identifiers: Orphanet 227535, MedGen C0346153, MONDO:0016419, OMIM 114480. Disease mechanism: loss of function.

Submissions (6):

Evidence-based Network for the Interpretation of Germline Mutant Alleles (ENIGMA)
Classification: Pathogenic for Breast-ovarian cancer, familial, susceptibility to, 1. Last evaluated: 2016-09-08. Review status: reviewed by expert panel. Criteria: ENIGMA BRCA1/2 Classification Criteria (2015). Collection method: curation. Allele origin: germline.
Comment: Variant allele predicted to encode a truncated non-functional protein.

Ambry Genetics
Classification: Pathogenic for Hereditary cancer-predisposing syndrome. Last evaluated: 2024-08-01. Review status: criteria provided, single submitter. Criteria: Ambry Variant Classification Scheme 2023. Collection method: clinical testing. Allele origin: germline. Not counted in ClinVar's aggregate classification.
Comment: The c.1960_1961delAA pathogenic mutation, located in coding exon 9 of the BRCA1 gene, results from a deletion of two nucleotides at nucleotide positions 1960 to 1961, causing a translational frameshift with a predicted alternate stop codon (p.K654Vfs*18). This alteration is expected to result in loss of function by premature protein truncation or nonsense-mediated mRNA decay. As such, this alteration is interpreted as a disease-causing mutation.

Research Molecular Genetics Laboratory, Women's College Hospital, University of Toronto
Classification: Pathogenic for Hereditary breast ovarian cancer syndrome. Last evaluated: 2014-01-31. Review status: no assertion criteria provided. Collection method: research. Allele origin: germline. Affected: yes. Study: The Canadian Open Genetics Repository (COGR). Not counted in ClinVar's aggregate classification.

Foulkes Cancer Genetics LDI, Lady Davis Institute for Medical Research
Classification: Pathogenic for Breast and/or ovarian cancer. Last evaluated: 2008-06-16. Review status: no assertion criteria provided. Collection method: clinical testing. Allele origin: germline. Study: The Canadian Open Genetics Repository (COGR). Not counted in ClinVar's aggregate classification.

Breast Cancer Information Core (BIC) (BRCA1)
Classification: Pathogenic for Breast-ovarian cancer, familial 1. Review status: no assertion criteria provided. Collection method: clinical testing. Allele origin: germline. Affected: yes. Observed: 1 variant allele. Not counted in ClinVar's aggregate classification.

Center for Precision Medicine, Meizhou People's Hospital
Classification: Pathogenic for Familial cancer of breast. Review status: no assertion criteria provided. Collection method: curation. Allele origin: germline. Affected: yes. Not counted in ClinVar's aggregate classification.